The following is an entry in ClinVar:

NM_004333.6(BRAF):c.1960T>C (p.Leu654=)

Gene: BRAF (B-Raf proto-oncogene, serine/threonine kinase; minus strand). Cytogenetic location: 7q34.
Variant type: single nucleotide variant.
Coding change: c.1960T>C on transcript NM_004333.6 (MANE Select); coding-DNA position 1960, T replaced by C.
Protein change: p.Leu654=; no amino-acid change (leucine 654 retained).
Molecular consequence: synonymous variant.
Genome position (GRCh38, 1-based): chr7:140,749,319, A>G on the plus strand (T>C on the coding strand, the complement: BRAF is on the minus strand). VCF-style: chr7-140749319-A-G. GRCh37 (hg19) VCF-style: chr7-140449119-A-G.
Other names: c.1960T>C, p.Leu654= (NM_001354609.2, NM_001378468.1, NM_001378474.1); c.2080T>C, p.Leu694= (NM_001374244.1, NM_001374258.1); c.1969T>C, p.Leu657= (NM_001378467.1); c.1894T>C, p.Leu632= (NM_001378469.1); c.1858T>C, p.Leu620= (NM_001378470.1); c.1849T>C, p.Leu617= (NM_001378471.1); c.1804T>C, p.Leu602= (NM_001378472.1, NM_001378473.1); c.1696T>C, p.Leu566= (NM_001378475.1).
Identifiers: ClinVar variation 162796 (VCV000162796.4), dbSNP rs727502905, ClinGen allele CA175334.

ClinVar aggregate classification (germline): Likely benign (1 of 4 stars; one submission).

Submission:

Laboratory for Molecular Medicine, Mass General Brigham Personalized Medicine
Classification: Likely benign. Last evaluated: 2014-02-20. Review status: criteria provided, single submitter. Criteria: LMM Criteria. Collection method: clinical testing. Allele origin: germline. Observed: 1 variant allele.
Comment: Leu654Leu in exon 16 of BRAF: This variant is not expected to have clinical sign ificance because it does not alter an amino acid residue and it is not located n ear a splice junction.